The following is an entry in ClinVar:

ClinVar aggregate classification (germline): Pathogenic (1 of 4 stars; one submission).

Conditions:
Primary ciliary dyskinesia. Also called: Ciliary dyskinesia. Identifiers: Orphanet 244, MedGen C0008780, MONDO:0016575, HP:0012265.

Submission:

Labcorp Genetics (formerly Invitae), Labcorp
Classification: Pathogenic for Primary ciliary dyskinesia. Last evaluated: 2022-02-03. Review status: criteria provided, single submitter. Criteria: Invitae Variant Classification Sherloc (09022015). Collection method: clinical testing. Allele origin: germline.
Comment: For these reasons, this variant has been classified as Pathogenic. ClinVar contains an entry for this variant (Variation ID: 1075804). This variant has not been reported in the literature in individuals affected with DNAH5-related conditions. This variant is not present in population databases (gnomAD no frequency). This sequence change creates a premature translational stop signal (p.Trp2539*) in the DNAH5 gene. It is expected to result in an absent or disrupted protein product. Loss-of-function variants in DNAH5 are known to be pathogenic (PMID: 11788826, 16627867).

Literature cited by the submitters: PubMed 11788826; PubMed 16627867.

NM_001369.3(DNAH5):c.7616G>A (p.Trp2539Ter)

Gene: DNAH5 (dynein axonemal heavy chain 5; minus strand). Cytogenetic location: 5p15.2.
Variant type: single nucleotide variant.
Coding change: c.7616G>A on transcript NM_001369.3 (MANE Select); coding-DNA position 7616, G replaced by A.
Protein change: p.Trp2539Ter; replaces tryptophan 2539 with a stop codon.
Molecular consequence: nonsense.
Genome position (GRCh38, 1-based): chr5:13,809,180, C>T on the plus strand (G>A on the coding strand, the complement: DNAH5 is on the minus strand). VCF-style: chr5-13809180-C-T. GRCh37 (hg19) VCF-style: chr5-13809289-C-T.
Other names: short protein forms W2539*.
Identifiers: ClinVar variation 1075804 (VCV001075804.16), dbSNP rs2127007326, ClinGen allele CA359231069.